The following is an entry in ClinVar:

ClinVar aggregate classification (germline): Uncertain significance. Review status: criteria provided, multiple submitters, no conflicts (2 of 4 stars). 4 submissions from 4 submitters: Uncertain significance (4). Last evaluated 2024-12-18.

Conditions:
Chuvash polycythemia. Also called: POLYCYTHEMIA, VHL-DEPENDENT. Identifiers: Orphanet 238557, MedGen C1837915, MONDO:0009892, OMIM 263400.
Pheochromocytoma. Also called: MAX-Related Hereditary Paraganglioma-Pheochromocytoma Syndrome. Identifiers: Orphanet 29072, MedGen C0031511, MONDO:0008233, OMIM 171300, HP:0002666.
Nonpapillary renal cell carcinoma. Identifiers: Orphanet 422526, MedGen CN074294, MONDO:0007763, OMIM 144700.
Von Hippel-Lindau syndrome (VHLS). Also called: VHL syndrome; Von Hippel-Lindau; von Hippel–Lindau syndrome. Identifiers: Orphanet 892, MedGen C0019562, MONDO:0008667, OMIM 193300. Disease mechanism: loss of function.
Hereditary cancer-predisposing syndrome. Also called: Hereditary neoplastic syndrome; Tumor predisposition; Neoplastic Syndromes, Hereditary; Hereditary Cancer Syndrome. Identifiers: Orphanet 140162, MedGen C0027672, MeSH D009386, MONDO:0015356.

Submissions (4):

Labcorp Genetics (formerly Invitae), Labcorp
Classification: Uncertain significance for Von Hippel-Lindau syndrome; Chuvash polycythemia. Last evaluated: 2024-12-18. Review status: criteria provided, single submitter. Criteria: Invitae Variant Classification Sherloc (09022015). Collection method: clinical testing. Allele origin: germline.
Comment: This variant, c.157_159del, results in the deletion of 1 amino acid(s) of the VHL protein (p.Glu53del), but otherwise preserves the integrity of the reading frame. This variant is not present in population databases (gnomAD no frequency). This variant has not been reported in the literature in individuals affected with VHL-related conditions. Experimental studies and prediction algorithms are not available or were not evaluated, and the functional significance of this variant is currently unknown. In summary, the available evidence is currently insufficient to determine the role of this variant in disease. Therefore, it has been classified as a Variant of Uncertain Significance.

Fulgent Genetics
Classification: Uncertain significance for Nonpapillary renal cell carcinoma; Pheochromocytoma; Von Hippel-Lindau syndrome; Chuvash polycythemia. Last evaluated: 2024-06-06. Review status: criteria provided, single submitter. Criteria: ACMG Guidelines, 2015. Collection method: clinical testing. Allele origin: germline.

Baylor Genetics
Classification: Uncertain significance for Chuvash polycythemia. Last evaluated: 2024-02-23. Review status: criteria provided, single submitter. Criteria: ACMG Guidelines, 2015. Collection method: clinical testing. Allele origin: unknown.

Ambry Genetics
Classification: Uncertain significance for Hereditary cancer-predisposing syndrome. Last evaluated: 2022-11-18. Review status: criteria provided, single submitter. Criteria: Ambry Variant Classification Scheme 2023. Collection method: clinical testing. Allele origin: germline.
Comment: The c.157_159delGAG variant (also known as p.E53del) is located in coding exon 1 of the VHL gene. This variant results from an in-frame GAG deletion at nucleotide positions 157 to 159. This results in the in-frame deletion of a glutamic acid at codon 53. This amino acid position is not well conserved in available vertebrate species. In addition, this alteration is predicted to be neutral by in silico analysis (Choi Y et al. PLoS ONE. 2012; 7(10):e46688). Since supporting evidence is limited at this time, the clinical significance of this alteration remains unclear.

NM_000551.4(VHL):c.151GAG[2] (p.Glu53del)

Gene: VHL (von Hippel-Lindau tumor suppressor; plus strand). Cytogenetic location: 3p25.3.
Variant type: Microsatellite.
Coding change: c.151GAG[2] on transcript NM_000551.4 (MANE Select); two copies in a row of the 3-base unit GAG starting at c.151; the reference has three copies in a row; one copy, 3 bases deleted; also written c.157_159del.
Protein change: p.Glu53del; deletes glutamic acid 53.
Molecular consequence: inframe deletion. On other transcripts: inframe indel (2), non-coding transcript variant (1).
Genome position (GRCh38, 1-based): chr3:10,142,004-10,142,006, GAG deleted; deleting any 3 consecutive bases within chr3:10,141,998-10,142,006 gives the same sequence; the position shown is the placement nearest the transcript's 3' end. VCF-style (leftmost placement, unchanged base first): chr3-10141997-CGAG-C. GRCh37 (hg19) VCF-style: chr3-10183681-CGAG-C.
Other names: c.157_159delGAG (NM_000551.3); c.151_153GAG[2], p.Glu53del (NM_000551.3); c.151GAG[2], p.Glu53del (NM_001354723.2, NM_198156.3); c.157_159del (NM_000551.3, NM_000551.4); short protein forms E53del.
Identifiers: ClinVar variation 2474533 (VCV002474533.6), dbSNP rs2470157819, ClinGen allele CA2580614138.